The following is an entry in ClinVar:

ClinVar aggregate classification (germline): Conflicting classifications of pathogenicity. Review status: criteria provided, conflicting classifications (1 of 4 stars). 4 submissions from 4 submitters: Uncertain significance (3); Likely benign (1). Last evaluated 2026-04-28.

Conditions:
RIPOR2-related disorder. Also called: RIPOR2-related condition.

Allele frequency attached by ClinVar (database versions not stated): TOPMed 0.00012; ExAC 0.00014; gnomAD 0.00014; gnomAD exomes 0.00026; ESP Exome Variant Server 0.00033.
gnomAD v4.1: 392 of 1,613,886 alleles (0.024%); highest among the groups gnomAD compares: Non-Finnish European, 0.032%; no homozygotes.

Submissions (4):

PreventionGenetics, part of Exact Sciences
Classification: Uncertain significance for RIPOR2-related condition. Last evaluated: 2026-04-28. Review status: criteria provided, single submitter. Criteria: ACMG Guidelines, 2015. Collection method: clinical testing. Allele origin: germline.
Comment: The RIPOR2 c.1519G>A variant is predicted to result in the amino acid substitution p.Glu507Lys. To our knowledge, this variant has not been reported in the literature. This variant is reported in 0.025% of alleles in individuals of European (Non-Finnish) descent in gnomAD. At this time, the clinical significance of this variant is uncertain due to the absence of conclusive functional and genetic evidence.

GeneDx
Classification: Uncertain significance. Last evaluated: 2026-04-20. Review status: criteria provided, single submitter. Criteria: GeneDx Variant Classification Process June 2021. Collection method: clinical testing. Allele origin: germline.
Comment: In silico analysis suggests that this missense variant does not alter protein structure/function; Has not been previously published as pathogenic or benign to our knowledge

Labcorp Genetics (formerly Invitae), Labcorp
Classification: Uncertain significance. Last evaluated: 2025-08-07. Review status: criteria provided, single submitter. Criteria: Invitae Variant Classification Sherloc (09022015). Collection method: clinical testing. Allele origin: germline.
Comment: This sequence change replaces glutamic acid, which is acidic and polar, with lysine, which is basic and polar, at codon 507 of the FAM65B protein (p.Glu507Lys). This variant is present in population databases (rs200262598, gnomAD 0.03%). This variant has not been reported in the literature in individuals affected with FAM65B-related conditions. ClinVar contains an entry for this variant (Variation ID: 2548285). An algorithm developed to predict the effect of missense changes on protein structure and function outputs the following: PolyPhen-2: "Benign". The lysine amino acid residue is found in multiple mammalian species, which suggests that this missense change does not adversely affect protein function. In summary, the available evidence is currently insufficient to determine the role of this variant in disease. Therefore, it has been classified as a Variant of Uncertain Significance.

Ambry Genetics
Classification: Likely benign. Last evaluated: 2023-03-29. Review status: criteria provided, single submitter. Criteria: Ambry Variant Classification Scheme 2023. Collection method: clinical testing. Allele origin: germline.

NM_001286445.3(RIPOR2):c.1456G>A (p.Glu486Lys)

Gene: RIPOR2 (RHO family interacting cell polarization regulator 2; minus strand). Cytogenetic location: 6p22.3.
Variant type: single nucleotide variant.
Coding change: c.1456G>A on transcript NM_001286445.3 (MANE Select); coding-DNA position 1456, G replaced by A.
Protein change: p.Glu486Lys; replaces glutamic acid 486 with lysine.
Molecular consequence: missense variant.
Genome position (GRCh38, 1-based): chr6:24,843,263, C>T on the plus strand (G>A on the coding strand, the complement: RIPOR2 is on the minus strand). VCF-style: chr6-24843263-C-T. GRCh37 (hg19) VCF-style: chr6-24843491-C-T.
Other names: c.1519G>A (NM_014722.4, NM_014722.3); c.1471G>A, p.Glu491Lys (NM_001286446.3); c.1369G>A, p.Glu457Lys (NM_001286447.2, NM_001346031.2, NM_001346032.2 and 1 more transcripts); c.1519G>A, p.Glu507Lys (NM_014722.5); short protein forms E507K, E457K, E486K, E491K.
Identifiers: ClinVar variation 2548285 (VCV002548285.8), dbSNP rs200262598, ClinGen allele CA3659248.